The following is an entry in ClinVar:

NM_021098.3(CACNA1H):c.1222T>C (p.Phe408Leu)

Gene: CACNA1H (calcium voltage-gated channel subunit alpha1 H; plus strand). Cytogenetic location: 16p13.3.
Variant type: single nucleotide variant.
Coding change: c.1222T>C on transcript NM_021098.3 (MANE Select); coding-DNA position 1222, T replaced by C.
Protein change: p.Phe408Leu; replaces phenylalanine 408 with leucine.
Molecular consequence: missense variant.
Genome position (GRCh38, 1-based): chr16:1,201,672, T>C. VCF-style: chr16-1201672-T-C. GRCh37 (hg19) VCF-style: chr16-1251672-T-C.
Other names: c.1222T>C, p.Phe408Leu (NM_001005407.2); short protein forms F408L.
Identifiers: ClinVar variation 2571900 (VCV002571900.1), dbSNP rs1470550038, ClinGen allele CA394159542.

ClinVar aggregate classification (germline): Uncertain significance (1 of 4 stars; one submission).

Allele frequency attached by ClinVar (database versions not stated): TOPMed below 0.00001.

Submission:

GeneDx
Classification: Uncertain significance. Last evaluated: 2023-01-06. Review status: criteria provided, single submitter. Criteria: GeneDx Variant Classification Process June 2021. Collection method: clinical testing. Allele origin: germline. Affected: yes.
Comment: Not observed at significant frequency in large population cohorts (gnomAD); In silico analysis supports that this missense variant has a deleterious effect on protein structure/function; Has not been previously published as pathogenic or benign to our knowledge